The following is an entry in ClinVar:

NM_003380.5(VIM):c.46G>A (p.Gly16Ser)

Genes: VIM (vimentin; plus strand), VIM-AS1 (VIM antisense RNA 1; minus strand). Cytogenetic location: 10p13.
Variant type: single nucleotide variant.
Coding change: c.46G>A on transcript NM_003380.5 (MANE Select); coding-DNA position 46, G replaced by A.
Protein change: p.Gly16Ser; replaces glycine 16 with serine.
Molecular consequence: missense variant. On other transcripts: non-coding transcript variant (1).
Genome position (GRCh38, 1-based): chr10:17,229,468, G>A. VCF-style: chr10-17229468-G-A. GRCh37 (hg19) VCF-style: chr10-17271467-G-A.
Other names: short protein forms G16S.
Identifiers: ClinVar variation 1699008 (VCV001699008.3), dbSNP rs773471865, ClinGen allele CA376174754.

ClinVar aggregate classification (germline): Uncertain significance (1 of 4 stars; one submission).

Conditions:
Cataract 30 (CTRCT30). Also called: CATARACT 30, PULVERULENT. Identifiers: Orphanet 91492, Orphanet 98984, Orphanet 98992, MedGen C3805411, MONDO:0007286, OMIM 116300.

gnomAD v4.1: 9 of 1,606,580 alleles (0.00056%); highest among the groups gnomAD compares: Non-Finnish European, 0.00059%; no homozygotes.

Submission:

Victorian Clinical Genetics Services, Murdoch Childrens Research Institute
Classification: Uncertain significance for Cataract 30. Last evaluated: 2022-02-02. Review status: criteria provided, single submitter. Criteria: ACMG Guidelines, 2015. Collection method: clinical testing. Allele origin: germline. Inheritance: Autosomal dominant inheritance. Affected: yes.
Comment: Based on the classification scheme VCGS_Germline_v1.3.4, this variant is classified as VUS-3C. Following criteria are met: 0105 - The mechanism of disease for this gene is not clearly established. (I) 0107 - This gene is associated with autosomal dominant disease. (I) 0200 - Variant is predicted to result in a missense amino acid change from glycine to serine. (I) 0251 - This variant is heterozygous. (I) 0301 - Variant is absent from gnomAD (both v2 and v3). (SP) 0501 - Missense variant consistently predicted to be damaging by multiple in silico tools or highly conserved with a major amino acid change. (SP) 0600 - Variant is located in the annotated Filament_head domain (NCBI). (I) 0705 - No comparable missense variants have previous evidence for pathogenicity. (I) 0807 - This variant has no previous evidence of pathogenicity. (I) 0905 - No published segregation evidence has been identified for this variant. (I) 1007 - No published functional evidence has been identified for this variant. (I) Legend: (SP) - Supporting pathogenic, (I) - Information, (SB) - Supporting benign